The following is an entry in ClinVar:

ClinVar aggregate classification (germline): Benign. Review status: criteria provided, multiple submitters, no conflicts (2 of 4 stars). 11 submissions from 11 submitters: Benign (11). Last evaluated 2026-02-04.

Conditions:
Hereditary cancer-predisposing syndrome. Also called: Neoplastic Syndromes, Hereditary; Hereditary neoplastic syndrome; Hereditary Cancer Syndrome; Tumor predisposition. Identifiers: Orphanet 140162, MedGen C0027672, MeSH D009386, MONDO:0015356.
POLD1-related polyposis and colorectal cancer syndrome (CRCS10). Also called: Colorectal cancer, susceptibility to, 10; Colorectal cancer 10; COLORECTAL CANCER, SUSCEPTIBILITY TO, ON CHROMOSOME 19q. Identifiers: Orphanet 220460, MedGen C2675481, MONDO:0012953, OMIM 612591.
Mandibular hypoplasia-deafness-progeroid syndrome. Also called: Mandibular hypoplasia, deafness, progeroid features, and lipodystrophy syndrome. Identifiers: Orphanet 363649, MedGen C3715192, MONDO:0014157, OMIM 615381.

Allele frequency attached by ClinVar (database versions not stated): gnomAD exomes 0.08632 and 0.11062; ExAC 0.11542; gnomAD 0.13815 and 0.13896; ESP Exome Variant Server 0.14800; TOPMed 0.14970; 1000 Genomes Project 0.18830; 1000 Genomes Project 30x 0.19035.
gnomAD v4.1: 148,036 of 1,613,260 alleles (9.2%); highest among the groups gnomAD compares: African/African-American, 29%; 9,626 homozygotes.

Submissions (11):

Labcorp Genetics (formerly Invitae), Labcorp
Classification: Benign for POLD1-related polyposis and colorectal cancer syndrome. Last evaluated: 2026-02-04. Review status: criteria provided, single submitter. Criteria: Invitae Variant Classification Sherloc (09022015). Collection method: clinical testing. Allele origin: germline.

Institute for Biomarker Research, Medical Diagnostic Laboratories, L.L.C.
Classification: Benign for Hereditary cancer-predisposing syndrome. Last evaluated: 2024-12-23. Review status: criteria provided, single submitter. Criteria: ACMG Guidelines, 2015. Collection method: clinical testing. Allele origin: germline.
Comment: The missense variant NM_001308632.1(POLD1):c.356G>A (p.Arg119His) has been reported to ClinVar as Benign with a status of (2 stars) criteria provided, multiple submitters, no conflicts (Variation ID 380220 as of 2024-12-05). The p.Arg119His variant is not predicted to introduce a novel splice site by any splice site algorithm. The p.Arg119His missense variant is predicted to be tolerated by both SIFT or PolyPhen2. The histidine residue at codon 119 of POLD1 is present in Orangutan and 4 other mammalian species. The nucleotide c.356 in POLD1 is not conserved according to a GERP++ and PhyloP analysis of 100 vertebrates. For these reasons, this variant has been classified as Benign.

Unidad de Genómica Garrahan, Hospital de Pediatría Garrahan
Classification: Benign. Last evaluated: 2024-01-24. Review status: criteria provided, single submitter. Criteria: ACMG Guidelines, 2015. Collection method: clinical testing. Allele origin: germline. Affected: no. Observed: 21 variant alleles.
Comment: This variant is classified as Benign based on local population frequency. This variant was detected in 22% of patients studied by a panel of primary immunodeficiencies. Number of patients: 21. Only high quality variants are reported.

KCCC/NGS Laboratory, Kuwait Cancer Control Center
Classification: Benign for POLD1-related polyposis and colorectal cancer syndrome. Last evaluated: 2023-07-07. Review status: criteria provided, single submitter. Criteria: ACMG Guidelines, 2015. Collection method: clinical testing. Allele origin: germline. Affected: yes.

Genome-Nilou Lab
Classification: Benign for Mandibular hypoplasia-deafness-progeroid syndrome. Last evaluated: 2021-10-25. Review status: criteria provided, single submitter. Criteria: ACMG Guidelines, 2015. Collection method: clinical testing. Allele origin: germline. Affected: no.

Mayo Clinic Laboratories, Mayo Clinic
Classification: Benign. Last evaluated: 2021-06-23. Review status: criteria provided, single submitter. Criteria: ACMG Guidelines, 2015. Collection method: clinical testing. Allele origin: germline. Observed: 130 variant alleles.

PreventionGenetics, part of Exact Sciences
Classification: Benign. Last evaluated: 2016-11-02. Review status: criteria provided, single submitter. Criteria: ACMG Guidelines, 2015. Collection method: clinical testing. Allele origin: germline.

Women's Health and Genetics/Laboratory Corporation of America, LabCorp
Classification: Benign. Last evaluated: 2016-05-18. Review status: criteria provided, single submitter. Criteria: LabCorp Variant Classification Summary - May 2015. Collection method: clinical testing. Allele origin: germline.
Comment: Variant summary: The POLD1 c.356G>A (p.Arg119His) variant involves the alteration of a non-conserved nucleotide. 4/5 in silico tools predict a benign outcome for this variant. This variant was found in 13802/119582 control chromosomes (1139 homozygotes) at a frequency of 0.1154187, which is approximately 8125 times the estimated maximal expected allele frequency of a pathogenic POLD1 variant (0.0000142), suggesting this variant is likely a benign polymorphism. Taken together, this variant is classified as benign.

GeneDx
Classification: Benign. Last evaluated: 2015-11-06. Review status: criteria provided, single submitter. Criteria: GeneDx Variant Classification (06012015). Collection method: clinical testing. Allele origin: germline. Affected: yes.
Comment: This variant is considered likely benign or benign based on one or more of the following criteria: it is a conservative change, it occurs at a poorly conserved position in the protein, it is predicted to be benign by multiple in silico algorithms, and/or has population frequency not consistent with disease.

Ambry Genetics
Classification: Benign for Hereditary cancer-predisposing syndrome. Last evaluated: 2015-05-20. Review status: criteria provided, single submitter. Criteria: Ambry Variant Classification Scheme 2023. Collection method: clinical testing. Allele origin: germline.

Breakthrough Genomics
Classification: Benign. Review status: criteria provided, single submitter. Criteria: ACMG Guidelines, 2015. Collection method: not provided. Allele origin: germline. Inheritance: Autosomal dominant inheritance. Affected: yes.

NM_002691.4(POLD1):c.356G>A (p.Arg119His)

Gene: POLD1 (DNA polymerase delta 1, catalytic subunit; plus strand). Cytogenetic location: 19q13.33.
Variant type: single nucleotide variant.
Coding change: c.356G>A on transcript NM_002691.4 (MANE Select); coding-DNA position 356, G replaced by A.
Protein change: p.Arg119His; replaces arginine 119 with histidine.
Molecular consequence: missense variant. On other transcripts: non-coding transcript variant (1).
Genome position (GRCh38, 1-based): chr19:50,401,817, G>A. VCF-style: chr19-50401817-G-A. GRCh37 (hg19) VCF-style: chr19-50905074-G-A.
Other names: p.Arg119His; c.356G>A, p.Arg119His (NM_001256849.1, NM_001308632.1); short protein forms R119H.
Identifiers: ClinVar variation 380220 (VCV000380220.22), dbSNP rs1726801, ClinGen allele CA9595709.